The following is an entry in ClinVar:

NM_006147.4(IRF6):c.478C>T (p.Gln160Ter)

Gene: IRF6 (interferon regulatory factor 6; minus strand). Cytogenetic location: 1q32.2.
Variant type: single nucleotide variant.
Coding change: c.478C>T on transcript NM_006147.4 (MANE Select); coding-DNA position 478, C replaced by T.
Protein change: p.Gln160Ter; replaces glutamine 160 with a stop codon.
Molecular consequence: nonsense.
Genome position (GRCh38, 1-based): chr1:209,795,320, G>A on the plus strand (C>T on the coding strand, the complement: IRF6 is on the minus strand). VCF-style: chr1-209795320-G-A. GRCh37 (hg19) VCF-style: chr1-209968665-G-A.
Other names: c.193C>T, p.Gln65Ter (NM_001206696.2); short protein forms Q160*, Q65*.
Identifiers: ClinVar variation 1445221 (VCV001445221.6), dbSNP rs1322638469, ClinGen allele CA344582479.

ClinVar aggregate classification (germline): Pathogenic (1 of 4 stars; one submission).

Conditions:
Orofacial cleft 6, susceptibility to (OFC6). Also called: CLEFT LIP WITH OR WITHOUT CLEFT PALATE, NONSYNDROMIC, 6. Identifiers: MedGen C1837213, MONDO:0012141, OMIM 608864.
Popliteal pterygium syndrome (PPS). Identifiers: Orphanet 294963, MedGen C0265259, MONDO:0017435.
Van der Woude syndrome. Identifiers: Orphanet 888, MedGen C0175697, MONDO:0019508.

Submission:

Labcorp Genetics (formerly Invitae), Labcorp
Classification: Pathogenic for Orofacial cleft 6, susceptibility to; Van der Woude syndrome; Popliteal pterygium syndrome. Last evaluated: 2021-02-20. Review status: criteria provided, single submitter. Criteria: Invitae Variant Classification Sherloc (09022015). Collection method: clinical testing. Allele origin: germline.
Comment: This variant is not present in population databases (ExAC no frequency). This sequence change creates a premature translational stop signal (p.Gln160*) in the IRF6 gene. It is expected to result in an absent or disrupted protein product. Loss-of-function variants in IRF6 are known to be pathogenic (PMID: 19282774, 23949966). This variant has not been reported in the literature in individuals with IRF6-related conditions. For these reasons, this variant has been classified as Pathogenic.

Literature cited by the submitters: PubMed 19282774; PubMed 23949966.